The following is an entry in ClinVar:

NM_001128840.3(CACNA1D):c.4046C>T (p.Ala1349Val)

Gene: CACNA1D (calcium voltage-gated channel subunit alpha1 D; plus strand). Cytogenetic location: 3p21.1.
Variant type: single nucleotide variant.
Coding change: c.4046C>T on transcript NM_001128840.3 (MANE Select); coding-DNA position 4046, C replaced by T.
Protein change: p.Ala1349Val; replaces alanine 1349 with valine.
Molecular consequence: missense variant.
Genome position (GRCh38, 1-based): chr3:53,772,834, C>T. VCF-style: chr3-53772834-C-T. GRCh37 (hg19) VCF-style: chr3-53806861-C-T.
Other names: c.4106C>T, p.Ala1369Val (NM_000720.4); c.4001C>T, p.Ala1334Val (NM_001128839.3); short protein forms A1369V, A1349V, A1334V.
Identifiers: ClinVar variation 4773675 (VCV004773675.1).

ClinVar aggregate classification (germline): Uncertain significance (1 of 4 stars; one submission).

gnomAD v4.1: 2 of 1,609,490 alleles (0.00012%); highest among the groups gnomAD compares: Non-Finnish European, 0.000085%; no homozygotes.

Submission:

Labcorp Genetics (formerly Invitae), Labcorp
Classification: Uncertain significance. Last evaluated: 2025-10-21. Review status: criteria provided, single submitter. Criteria: Invitae Variant Classification Sherloc (09022015). Collection method: clinical testing. Allele origin: germline.
Comment: This sequence change replaces alanine, which is neutral and non-polar, with valine, which is neutral and non-polar, at codon 1369 of the CACNA1D protein (p.Ala1369Val). This variant is not present in population databases (gnomAD no frequency). This variant has not been reported in the literature in individuals affected with CACNA1D-related conditions. An algorithm developed to predict the effect of missense changes on protein structure and function (PolyPhen-2) suggests that this variant is likely to be disruptive. In summary, the available evidence is currently insufficient to determine the role of this variant in disease. Therefore, it has been classified as a Variant of Uncertain Significance.